The following is an entry in ClinVar:

NM_001039591.3(USP9X):c.607C>T (p.Pro203Ser)

Gene: USP9X (ubiquitin specific peptidase 9 X-linked; plus strand). Cytogenetic location: Xp11.4.
Variant type: single nucleotide variant.
Coding change: c.607C>T on transcript NM_001039591.3 (MANE Select); coding-DNA position 607, C replaced by T.
Protein change: p.Pro203Ser; replaces proline 203 with serine.
Molecular consequence: missense variant.
Genome position (GRCh38, 1-based): chrX:41,136,975, C>T. VCF-style: chrX-41136975-C-T. GRCh37 (hg19) VCF-style: chrX-40996228-C-T.
Other names: c.607C>T, p.Pro203Ser (NM_001039590.3, NM_001410748.1, NM_001410749.1); short protein forms P203S.
Identifiers: ClinVar variation 3376808 (VCV003376808.1).

ClinVar aggregate classification (germline): Uncertain significance (1 of 4 stars; one submission).

Conditions:
Intellectual developmental disorder, X-linked 99. Also called: Intellectual disability, X-linked 99. Identifiers: Orphanet 777, MedGen C3806746, MONDO:0010487, OMIM 300919.

Submission:

Victorian Clinical Genetics Services, Murdoch Childrens Research Institute
Classification: Uncertain significance for Intellectual developmental disorder, X-linked 99. Last evaluated: 2023-07-17. Review status: criteria provided, single submitter. Criteria: ACMG Guidelines, 2015. Collection method: clinical testing. Allele origin: germline. Inheritance: X-linked recessive inheritance. Affected: yes.
Comment: Based on the classification scheme VCGS_Germline_v1.3.4, this variant is classified as VUS-3B. Following criteria are met: 0102 - Loss of function is a known mechanism of disease in this gene and is associated with X-linked intellectual developmental disorder 99 (MIM#300919) and X-linked syndromic female-restricted intellectual developmental disorder 99 (MIM#300968). (I) 0108 - This gene is associated with both X-linked recessive and X-linked dominant disease. Partial loss of function variants result in X-linked recessive disease, predominantly affecting males. Variants resulting in a premature termination codon or a more complete loss of function are restricted to females in an X-linked dominant pattern of inheritance (PMIDs: 31443933, 26833328). (I) 0200 - Variant is predicted to result in a missense amino acid change from proline to serine. (I) 0253 - This variant is hemizygous. (I) 0301 - Variant is absent from gnomAD (both v2 and v3). (SP) 0503 - Missense variant consistently predicted to be tolerated by multiple in silico tools or not conserved in placental mammals with a minor amino acid change. (SB) 0604 - Variant is not located in an established domain, motif, hotspot or informative constraint region. (I) 0705 - No comparable missense variants have previous evidence for pathogenicity. (I) 0807 - This variant has no previous evidence of pathogenicity. (I) 0905 - No published segregation evidence has been identified for this variant. (I) 1007 - No published functional evidence has been identified for this variant. (I) Legend: (SP) - Supporting pathogenic, (I) - Information, (SB) - Supporting benign

Literature cited by the submitters: PubMed 26833328; PubMed 31443933.